The following is an entry in ClinVar:

NM_000548.5(TSC2):c.3568C>A (p.Leu1190Met)

Gene: TSC2 (TSC complex subunit 2; plus strand). Cytogenetic location: 16p13.3.
Variant type: single nucleotide variant.
Coding change: c.3568C>A on transcript NM_000548.5 (MANE Select); coding-DNA position 3568, C replaced by A.
Protein change: p.Leu1190Met; replaces leucine 1190 with methionine.
Molecular consequence: missense variant. On other transcripts: non-coding transcript variant (5).
Genome position (GRCh38, 1-based): chr16:2,080,335, C>A. VCF-style: chr16-2080335-C-A. GRCh37 (hg19) VCF-style: chr16-2130336-C-A.
Other names: c.3436C>A, p.Leu1146Met (NM_001077183.3, NM_001370404.1, NM_001406665.1); c.3568C>A, p.Leu1190Met (NM_001114382.3); c.3328C>A, p.Leu1110Met (NM_001318827.2); c.3292C>A, p.Leu1098Met (NM_001318829.2); c.2836C>A, p.Leu946Met (NM_001318831.2, NM_001406687.1, NM_001406688.1); c.3469C>A, p.Leu1157Met (NM_001318832.2); c.3439C>A, p.Leu1147Met (NM_001363528.2, NM_021055.3, NM_001370405.1); c.3421C>A, p.Leu1141Met (NM_001406675.1); and 18 more; short protein forms L1097M, L1142M, L1143M, L1146M, L1147M, L612M, L699M, L742M.
Identifiers: ClinVar variation 2449966 (VCV002449966.4), dbSNP rs2151461483, ClinGen allele CA394289584.

ClinVar aggregate classification (germline): Uncertain significance. Review status: criteria provided, multiple submitters, no conflicts (2 of 4 stars). 2 submissions from 2 submitters: Uncertain significance (2). Last evaluated 2025-03-25.

Conditions:
Tuberous sclerosis 2 (TSC2). Identifiers: Orphanet 805, MedGen C1860707, MONDO:0013199, OMIM 613254.
Hereditary cancer-predisposing syndrome. Also called: Hereditary neoplastic syndrome; Tumor predisposition; Neoplastic Syndromes, Hereditary; Hereditary Cancer Syndrome. Identifiers: Orphanet 140162, MedGen C0027672, MeSH D009386, MONDO:0015356.

Submissions (2):

Labcorp Genetics (formerly Invitae), Labcorp
Classification: Uncertain significance for Tuberous sclerosis 2. Last evaluated: 2025-03-25. Review status: criteria provided, single submitter. Criteria: Invitae Variant Classification Sherloc (09022015). Collection method: clinical testing. Allele origin: germline.
Comment: This sequence change replaces leucine, which is neutral and non-polar, with methionine, which is neutral and non-polar, at codon 1190 of the TSC2 protein (p.Leu1190Met). This variant is not present in population databases (gnomAD no frequency). This variant has not been reported in the literature in individuals affected with TSC2-related conditions. ClinVar contains an entry for this variant (Variation ID: 2449966). Invitae Evidence Modeling of protein sequence and biophysical properties (such as structural, functional, and spatial information, amino acid conservation, physicochemical variation, residue mobility, and thermodynamic stability) indicates that this missense variant is not expected to disrupt TSC2 protein function with a negative predictive value of 95%. In summary, the available evidence is currently insufficient to determine the role of this variant in disease. Therefore, it has been classified as a Variant of Uncertain Significance.

Ambry Genetics
Classification: Uncertain significance for Hereditary cancer-predisposing syndrome. Last evaluated: 2025-01-31. Review status: criteria provided, single submitter. Criteria: Ambry Variant Classification Scheme 2023. Collection method: clinical testing. Allele origin: germline.
Comment: The p.L1190M variant (also known as c.3568C>A), located in coding exon 29 of the TSC2 gene, results from a C to A substitution at nucleotide position 3568. The leucine at codon 1190 is replaced by methionine, an amino acid with highly similar properties. This amino acid position is highly conserved in available vertebrate species. In addition, the in silico prediction for this alteration is inconclusive. Based on the available evidence, the clinical significance of this variant remains unclear.